The following is an entry in ClinVar:

ClinVar aggregate classification (germline): Uncertain significance. Review status: criteria provided, multiple submitters, no conflicts (2 of 4 stars). 2 submissions from 2 submitters: Uncertain significance (2). Last evaluated 2025-12-17.

Conditions:
TCF3-related disorder. Also called: TCF3-related condition.

Allele frequency attached by ClinVar (database versions not stated): gnomAD exomes 0.00001; gnomAD 0.00002; TOPMed 0.00009.
gnomAD v4.1: 9 of 1,597,580 alleles (0.00056%); highest among the groups gnomAD compares: Admixed American, 0.014%; no homozygotes.

Submissions (2):

PreventionGenetics, part of Exact Sciences
Classification: Uncertain significance for TCF3-related condition. Last evaluated: 2025-12-17. Review status: criteria provided, single submitter. Criteria: ACMG Guidelines, 2015. Collection method: clinical testing. Allele origin: germline.
Comment: The TCF3 c.752C>G variant is predicted to result in the amino acid substitution p.Pro251Arg. To our knowledge, this variant has not been reported in the literature or in a large population database (gnomAD), indicating this variant is rare. At this time, the clinical significance of this variant is uncertain due to the absence of conclusive functional and genetic evidence.

Labcorp Genetics (formerly Invitae), Labcorp
Classification: Uncertain significance. Last evaluated: 2023-03-27. Review status: criteria provided, single submitter. Criteria: Invitae Variant Classification Sherloc (09022015). Collection method: clinical testing. Allele origin: germline.
Comment: This sequence change replaces proline, which is neutral and non-polar, with arginine, which is basic and polar, at codon 251 of the TCF3 protein (p.Pro251Arg). This variant is not present in population databases (gnomAD no frequency). This variant has not been reported in the literature in individuals affected with TCF3-related conditions. In summary, the available evidence is currently insufficient to determine the role of this variant in disease. Therefore, it has been classified as a Variant of Uncertain Significance. Experimental studies and prediction algorithms are not available or were not evaluated, and the functional significance of this variant is currently unknown.

NM_003200.5(TCF3):c.752C>G (p.Pro251Arg)

Gene: TCF3 (transcription factor 3; minus strand). Cytogenetic location: 19p13.3.
Variant type: single nucleotide variant.
Coding change: c.752C>G on transcript NM_003200.5 (MANE Select); coding-DNA position 752, C replaced by G.
Protein change: p.Pro251Arg; replaces proline 251 with arginine.
Molecular consequence: missense variant.
Genome position (GRCh38, 1-based): chr19:1,622,124, G>C on the plus strand (C>G on the coding strand, the complement: TCF3 is on the minus strand). VCF-style: chr19-1622124-G-C. GRCh37 (hg19) VCF-style: chr19-1622123-G-C.
Other names: c.752C>G, p.Pro251Arg (NM_001136139.4, NM_001351778.2, NM_001351779.2); c.752C>G (NM_003200.3); short protein forms P251R.
Identifiers: ClinVar variation 2899609 (VCV002899609.4), dbSNP rs2062313596, ClinGen allele CA403055600.